The following is an entry in ClinVar:

ClinVar aggregate classification (germline): Conflicting classifications of pathogenicity. Review status: criteria provided, conflicting classifications (1 of 4 stars). 8 submissions from 8 submitters: Uncertain significance (6); Benign (1); Likely benign (1). Last evaluated 2026-05-27.

Conditions:
Tuberous sclerosis syndrome (TSC). Also called: Tuberous Sclerosis Complex; Tuberous sclerosis. Identifiers: Orphanet 805, MedGen C0041341, MONDO:0001734.
TSC2-related disorder. Also called: TSC2-related condition; TSC2-Related Disorders.
Tuberous sclerosis 2 (TSC2). Identifiers: Orphanet 805, MedGen C1860707, MONDO:0013199, OMIM 613254.
Hereditary cancer-predisposing syndrome. Also called: Tumor predisposition; Hereditary neoplastic syndrome; Neoplastic Syndromes, Hereditary; Hereditary Cancer Syndrome. Identifiers: Orphanet 140162, MedGen C0027672, MeSH D009386, MONDO:0015356.

Allele frequency attached by ClinVar (database versions not stated): gnomAD 0.00001; gnomAD exomes 0.00001; TOPMed 0.00001.
gnomAD v4.1: 16 of 1,613,882 alleles (0.00099%); highest among the groups gnomAD compares: Non-Finnish European, 0.0013%; no homozygotes.

Submissions (8):

PreventionGenetics, part of Exact Sciences
Classification: Uncertain significance for TSC2-related condition. Last evaluated: 2026-05-27. Review status: criteria provided, single submitter. Criteria: ACMG Guidelines, 2015. Collection method: clinical testing. Allele origin: germline.
Comment: The TSC2 c.131T>C variant is predicted to result in the amino acid substitution p.Ile44Thr. To our knowledge, this variant has not been reported in the literature. This variant is reported in 0.0065% of alleles in individuals of European (Non-Finnish) descent in gnomAD. In ClinVar, this variant has conflicting interpretations ranging from benign to uncertain (Variation ID: 535920). At this time, the clinical significance of this variant is uncertain due to the absence of conclusive functional and genetic evidence.

Labcorp Genetics (formerly Invitae), Labcorp
Classification: Benign for Tuberous sclerosis 2. Last evaluated: 2025-12-23. Review status: criteria provided, single submitter. Criteria: Invitae Variant Classification Sherloc (09022015). Collection method: clinical testing. Allele origin: germline.

Color Diagnostics, LLC DBA Color Health
Classification: Uncertain significance for Tuberous sclerosis syndrome. Last evaluated: 2025-09-29. Review status: criteria provided, single submitter. Criteria: ACMG Guidelines, 2015. Collection method: clinical testing. Allele origin: germline.
Comment: This missense variant replaces isoleucine with threonine at codon 44 of the TSC2 protein. Computational prediction suggests that this variant may not impact protein structure and function. To our knowledge, functional studies have not been reported for this variant. This variant has not been reported in individuals affected with TSC2-related disorders in the literature. This variant has been identified in 16/1613882 chromosomes in the general population by the Genome Aggregation Database (gnomAD). The available evidence is insufficient to determine the role of this variant in disease conclusively. Therefore, this variant is classified as a Variant of Uncertain Significance.

Quest Diagnostics Nichols Institute San Juan Capistrano
Classification: Uncertain significance. Last evaluated: 2025-03-26. Review status: criteria provided, single submitter. Criteria: Quest Diagnostics criteria. Collection method: clinical testing. Allele origin: unknown.

Ambry Genetics
Classification: Likely benign for Hereditary cancer-predisposing syndrome. Last evaluated: 2024-06-05. Review status: criteria provided, single submitter. Criteria: Ambry Variant Classification Scheme 2023. Collection method: clinical testing. Allele origin: germline.

GeneDx
Classification: Uncertain significance. Last evaluated: 2024-03-12. Review status: criteria provided, single submitter. Criteria: GeneDx Variant Classification Process June 2021. Collection method: clinical testing. Allele origin: germline. Affected: yes.
Comment: In silico analysis supports that this missense variant has a deleterious effect on protein structure/function; Has not been previously published as pathogenic or benign to our knowledge; This variant is associated with the following publications: (PMID: 18466115)

Genome-Nilou Lab
Classification: Uncertain significance for Tuberous sclerosis 2. Last evaluated: 2021-11-07. Review status: criteria provided, single submitter. Criteria: ACMG Guidelines, 2015. Collection method: clinical testing. Allele origin: germline. Affected: no.

Sema4
Classification: Uncertain significance for Hereditary cancer-predisposing syndrome. Last evaluated: 2021-08-05. Review status: criteria provided, single submitter. Criteria: Sema4 Curation Guidelines. Collection method: curation. Allele origin: germline.
Comment: The TSC2 c.131T>C (p.I44T) variant has not been reported in the literature to our knowledge. It was observed in 1/15426 chromosomes in the Non-Finnish European subpopulation in the large and broad cohorts of the Genome Aggregation Database (PMID: 32461654). The variant has been reported in ClinVar (Variation ID: 535920). Functional studies have not been performed, and in silico predictions of the variant's effect on protein function are inconclusive. The evidence is insufficient to meet ACMG/AMP criteria for classifying the variant as benign or pathogenic. Thus, the clinical significance of this variant is currently uncertain.

NM_000548.5(TSC2):c.131T>C (p.Ile44Thr)

Gene: TSC2 (TSC complex subunit 2; plus strand). Cytogenetic location: 16p13.3.
Variant type: single nucleotide variant.
Coding change: c.131T>C on transcript NM_000548.5 (MANE Select); coding-DNA position 131, T replaced by C.
Protein change: p.Ile44Thr; replaces isoleucine 44 with threonine.
Molecular consequence: missense variant. On other transcripts: 5 prime UTR variant (1), intron variant (1).
Genome position (GRCh38, 1-based): chr16:2,048,746, T>C. VCF-style: chr16-2048746-T-C. GRCh37 (hg19) VCF-style: chr16-2098747-T-C.
Other names: c.131T>C, p.Ile44Thr (NM_001077183.3, NM_001114382.3, NM_001318827.2 and 4 more transcripts); c.-96T>C (NM_001318831.2); c.164T>C, p.Ile55Thr (NM_001318832.2); c.-10+681T>C (NM_001318829.2); c.131T>C (NM_000548.4); short protein forms I44T, I55T.
Identifiers: ClinVar variation 535920 (VCV000535920.23), dbSNP rs1190102918, ClinGen allele CA394301782.